The following is an entry in ClinVar:

NM_000038.6(APC):c.834+1654G>A

Gene: APC (APC regulator of WNT signaling pathway; plus strand). Cytogenetic location: 5q22.2.
Variant type: single nucleotide variant.
Coding change: c.834+1654G>A on transcript NM_000038.6 (MANE Select); 1654 bases into the intron after coding-DNA position 834, G replaced by A.
Molecular consequence: intron variant.
Genome position (GRCh38, 1-based): chr5:112,803,037, G>A. VCF-style: chr5-112803037-G-A. GRCh37 (hg19) VCF-style: chr5-112138734-G-A.
Other names: c.834+1654G>A (NM_001354895.2, NM_001127510.3, NM_001354896.2 and 1 more transcripts); c.864+1654G>A (NM_001354897.2, NM_001354902.2); c.780+1654G>A (NM_001127511.3); c.759+1654G>A (NM_001354898.2, NM_001354904.2); c.-202+1654G>A (NM_001354906.2); c.750+1654G>A (NM_001354899.2); c.657+1654G>A (NM_001354900.2, NM_001354901.2, NM_001354905.2).
Identifiers: ClinVar variation 83046 (VCV000083046.2), dbSNP rs529076, ClinGen allele CA014607.

ClinVar aggregate classification (germline): other (0 of 4 stars; one submission).

Conditions:
Familial colorectal cancer. Identifiers: MedGen CN280943, MONDO:0023113. Disease mechanism: loss of function.

Allele frequency attached by ClinVar (database versions not stated): gnomAD 0.65778 and 0.66430; TOPMed 0.68117; 1000 Genomes Project 30x 0.74344; 1000 Genomes Project 0.74661.
gnomAD v4.1: 100,891 of 151,906 alleles (66%); highest among the groups gnomAD compares: East Asian, 90%; 33,914 homozygotes.

Submission:

Systems Biology Platform Zhejiang California International NanoSystems Institute
Classification: other for Familial colorectal cancer. Review status: no assertion criteria provided. Collection method: not provided. Allele origin: unknown.
ClinVar note: Converted during submission from cancer to other.